The following is an entry in ClinVar:

ClinVar aggregate classification (germline): Likely benign. Review status: criteria provided, multiple submitters, no conflicts (2 of 4 stars). 3 submissions from 3 submitters: Likely benign (3). Last evaluated 2025-12-24.

Conditions:
Progressive myoclonic epilepsy. Also called: Myoclonus epilepsy; Progressive myoclonus epilepsy; Myoclonic Epilepsies, Progressive; Familial progressive myoclonic epilepsy. Identifiers: Orphanet 308, Orphanet 98261, MedGen C0751778, MONDO:0020074.
Inborn genetic diseases. Identifiers: MedGen C0950123, MeSH D030342.

Allele frequency attached by ClinVar (database versions not stated): gnomAD 0.00001; TOPMed 0.00006.
gnomAD v4.1: 21 of 1,548,068 alleles (0.0014%); highest among the groups gnomAD compares: Admixed American, 0.013%; no homozygotes.

Submissions (3):

Labcorp Genetics (formerly Invitae), Labcorp
Classification: Likely benign for Progressive myoclonic epilepsy. Last evaluated: 2025-12-24. Review status: criteria provided, single submitter. Criteria: Invitae Variant Classification Sherloc (09022015). Collection method: clinical testing. Allele origin: germline.

Ambry Genetics
Classification: Likely benign for Inborn genetic diseases. Last evaluated: 2020-05-20. Review status: criteria provided, single submitter. Criteria: Ambry Variant Classification Scheme 2023. Collection method: clinical testing. Allele origin: germline.

GeneDx
Classification: Likely benign. Last evaluated: 2018-06-07. Review status: criteria provided, single submitter. Criteria: GeneDx Variant Classification (06012015). Collection method: clinical testing. Allele origin: germline. Affected: yes.
Comment: This variant is considered likely benign or benign based on one or more of the following criteria: it is a conservative change, it occurs at a poorly conserved position in the protein, it is predicted to be benign by multiple in silico algorithms, and/or has population frequency not consistent with disease.

NM_004287.5(GOSR2):c.39C>T (p.His13=)

Genes: GOSR2 (golgi SNAP receptor complex member 2; plus strand), LRRC37A2 (leucine rich repeat containing 37 member A2). Cytogenetic location: 17q21.32.
Variant type: single nucleotide variant.
Coding change: c.39C>T on transcript NM_004287.5 (MANE Select); coding-DNA position 39, C replaced by T.
Protein change: p.His13=; no amino-acid change (histidine 13 retained).
Molecular consequence: synonymous variant. On other transcripts: 5 prime UTR variant (2), non-coding transcript variant (3).
Genome position (GRCh38, 1-based): chr17:46,929,529, C>T. VCF-style: chr17-46929529-C-T. GRCh37 (hg19) VCF-style: chr17-45006895-C-T.
Other names: c.39C>T, p.His13= (NM_001012511.3, NM_001321133.2, NM_001330252.2 and 4 more transcripts); c.-16C>T (NM_001321134.2, NM_001363851.2).
Identifiers: ClinVar variation 669369 (VCV000669369.12), dbSNP rs747877774, ClinGen allele CA8621121.